The following is an entry in ClinVar:

ClinVar aggregate classification (germline): Likely pathogenic. Review status: criteria provided, multiple submitters, no conflicts (2 of 4 stars). 2 submissions from 2 submitters: Likely pathogenic (2). Last evaluated 2025-02-27.

Conditions:
Combined malonic and methylmalonic acidemia. Identifiers: Orphanet 289504, MedGen C3280314, MONDO:0013661, OMIM 614265.

Submissions (2):

Natera, Inc.
Classification: Likely pathogenic for Combined malonic and methylmalonic aciduria. Last evaluated: 2025-02-27. Review status: criteria provided, single submitter. Criteria: Natera Variant Classification Schema (03/2026). Collection method: clinical testing. Allele origin: germline.
Comment: The c.1629delinsAC variant in ACSF3 is a frameshift variant predicted to shift the reading frame beginning at codon 544 and leads to a stop codon 22 codons downstream. This variant is expected to result in nonsense mediated decay, truncation, or a dysfunctional protein product. This variant is rare in the general population with a frequency below the threshold expected for the associated phenotype(s). Given the available evidence, this variant is classified as Likely Pathogenic.

Labcorp Genetics (formerly Invitae), Labcorp
Classification: Likely pathogenic for Combined malonic and methylmalonic acidemia. Last evaluated: 2019-06-03. Review status: criteria provided, single submitter. Criteria: Invitae Variant Classification Sherloc (09022015). Collection method: clinical testing. Allele origin: germline.
Comment: This sequence change results in a premature translational stop signal in the ACSF3 gene (p.Tyr544Leufs*22). While this is not anticipated to result in nonsense mediated decay, it is expected to disrupt the last 33 amino acids of the ACSF3 protein. In summary, the currently available evidence indicates that the variant is pathogenic, but additional data are needed to prove that conclusively. Therefore, this variant has been classified as Likely Pathogenic. This variant disrupts the p.Arg558 amino acid residue in ACSF3. Other variant(s) that disrupt this residue have been determined to be pathogenic (PMID: 21841779, 26827111, Invitae). This suggests that this residue is clinically significant, and that variants that disrupt this residue are likely to be disease-causing. This variant has not been reported in the literature in individuals with ACSF3-related conditions. This variant is not present in population databases (ExAC no frequency).

Literature cited by the submitters: PubMed 21841779 (cited by Labcorp Genetics (formerly Invitae), Labcorp); PubMed 26827111 (cited by Labcorp Genetics (formerly Invitae), Labcorp).

NM_001243279.3(ACSF3):c.1629delinsAC (p.Tyr544fs)

Gene: ACSF3 (acyl-CoA synthetase family member 3; plus strand). Cytogenetic location: 16q24.3.
Variant type: Indel.
Coding change: c.1629delinsAC on transcript NM_001243279.3 (MANE Select); coding-DNA position 1629, G replaced by AC.
Protein change: p.Tyr544fs; shifts the reading frame from tyrosine 544.
Molecular consequence: frameshift variant. On other transcripts: non-coding transcript variant (4).
Genome position (GRCh38, 1-based): chr16:89,154,105, G replaced by AC. VCF-style: chr16-89154105-G-AC. GRCh37 (hg19) VCF-style: chr16-89220513-G-AC.
Other names: c.1629delinsAC, p.Tyr544fs (NM_001127214.4, NM_174917.5); c.834delinsAC, p.Tyr279fs (NM_001284316.2); short protein forms Y279fs, Y544fs.
Identifiers: ClinVar variation 970716 (VCV000970716.7), dbSNP rs1914445437, ClinGen allele CA1139664883.